The following is an entry in ClinVar:

NM_000021.4(PSEN1):c.525C>G (p.Phe175Leu)

Gene: PSEN1 (presenilin 1; plus strand). Cytogenetic location: 14q24.2.
Variant type: single nucleotide variant.
Coding change: c.525C>G on transcript NM_000021.4 (MANE Select); coding-DNA position 525, C replaced by G.
Protein change: p.Phe175Leu; replaces phenylalanine 175 with leucine.
Molecular consequence: missense variant.
Genome position (GRCh38, 1-based): chr14:73,186,897, C>G. VCF-style: chr14-73186897-C-G. GRCh37 (hg19) VCF-style: chr14-73653605-C-G.
Other names: c.513C>G, p.Phe171Leu (NM_007318.3); short protein forms F175L, F171L.
Identifiers: ClinVar variation 586385 (VCV000586385.4), dbSNP rs1566638724, ClinGen allele CA390296275.

ClinVar aggregate classification (germline): Uncertain significance. Review status: criteria provided, multiple submitters, no conflicts (2 of 4 stars). 3 submissions from 3 submitters: Uncertain significance (2). 1 of the submissions does not count toward it. Last evaluated 2022-02-28.

Conditions:
PSEN1-related disorder. Also called: PSEN1-related condition.

Submissions (3):

GeneDx
Classification: Uncertain significance. Last evaluated: 2022-02-28. Review status: criteria provided, single submitter. Criteria: GeneDx Variant Classification Process June 2021. Collection method: clinical testing. Allele origin: germline. Affected: yes.
Comment: Not observed at significant frequency in large population cohorts (gnomAD); In silico analysis supports that this missense variant has a deleterious effect on protein structure/function; Has not been previously published as pathogenic or benign to our knowledge

Athena Diagnostics
Classification: Uncertain significance. Last evaluated: 2018-04-13. Review status: criteria provided, single submitter. Criteria: Athena Diagnostics Criteria. Collection method: clinical testing. Allele origin: germline.

PreventionGenetics, part of Exact Sciences
Classification: Uncertain significance for PSEN1-related condition. Last evaluated: 2024-09-18. Review status: no assertion criteria provided. Collection method: clinical testing. Allele origin: germline. Not counted in ClinVar's aggregate classification.
Comment: The PSEN1 c.525C>G variant is predicted to result in the amino acid substitution p.Phe175Leu. This variant has been previously observed in a cohort of individuals who underwent genetic testing for amyotrophic lateral sclerosis and/or frontotemporal dementia at PreventionGenetics and reported as a variant of uncertain significance (Table S1, Mesaros et al. 2021. PubMed ID: 35052416). This variant has not been reported in a large population database, indicating this variant is rare. Although we suspect that this variant may be pathogenic, at this time, the clinical significance of this variant is uncertain due to the absence of conclusive functional and genetic evidence.